The following is an entry in ClinVar:

ClinVar aggregate classification (germline): Uncertain significance (1 of 4 stars; one submission).

Conditions:
Leber congenital amaurosis 9 (LCA9). Also called: LCA9 Leber Congenital Amaurosis; LCA 9; Amaurosis congenita of Leber, type 9. Identifiers: Orphanet 65, MedGen C1837873, MONDO:0012056, OMIM 608553.

Allele frequency attached by ClinVar (database versions not stated): gnomAD exomes below 0.00001; gnomAD 0.00002; TOPMed 0.00002.
gnomAD v4.1: 5 of 1,613,968 alleles (0.00031%); highest among the groups gnomAD compares: African/African-American, 0.004%; no homozygotes.

Submission:

Labcorp Genetics (formerly Invitae), Labcorp
Classification: Uncertain significance for Leber congenital amaurosis 9. Last evaluated: 2022-07-06. Review status: criteria provided, single submitter. Criteria: Invitae Variant Classification Sherloc (09022015). Collection method: clinical testing. Allele origin: germline.
Comment: ClinVar contains an entry for this variant (Variation ID: 1372227). This variant has not been reported in the literature in individuals affected with NMNAT1-related conditions. This variant is present in population databases (no rsID available, gnomAD 0.004%). This sequence change replaces alanine, which is neutral and non-polar, with valine, which is neutral and non-polar, at codon 193 of the NMNAT1 protein (p.Ala193Val). Algorithms developed to predict the effect of missense changes on protein structure and function (SIFT, PolyPhen-2, Align-GVGD) all suggest that this variant is likely to be tolerated. In summary, the available evidence is currently insufficient to determine the role of this variant in disease. Therefore, it has been classified as a Variant of Uncertain Significance.

NM_022787.4(NMNAT1):c.578C>T (p.Ala193Val)

Gene: NMNAT1 (nicotinamide nucleotide adenylyltransferase 1; plus strand). Cytogenetic location: 1p36.22.
Variant type: single nucleotide variant.
Coding change: c.578C>T on transcript NM_022787.4 (MANE Select); coding-DNA position 578, C replaced by T.
Protein change: p.Ala193Val; replaces alanine 193 with valine.
Molecular consequence: missense variant.
Genome position (GRCh38, 1-based): chr1:9,982,439, C>T. VCF-style: chr1-9982439-C-T. GRCh37 (hg19) VCF-style: chr1-10042497-C-T.
Other names: c.578C>T, p.Ala193Val (NM_001297778.1); short protein forms A193V.
Identifiers: ClinVar variation 1372227 (VCV001372227.6), dbSNP rs1476946920, ClinGen allele CA338686777.